The following is an entry in ClinVar:

NM_057088.3(KRT3):c.72C>T (p.Ser24=)

Gene: KRT3 (keratin 3; minus strand). Cytogenetic location: 12q13.13.
Variant type: single nucleotide variant.
Coding change: c.72C>T on transcript NM_057088.3 (MANE Select); coding-DNA position 72, C replaced by T.
Protein change: p.Ser24=; no amino-acid change (serine 24 retained).
Molecular consequence: synonymous variant.
Genome position (GRCh38, 1-based): chr12:52,795,971, G>A on the plus strand (C>T on the coding strand, the complement: KRT3 is on the minus strand). VCF-style: chr12-52795971-G-A. GRCh37 (hg19) VCF-style: chr12-53189755-G-A.
Identifiers: ClinVar variation 3050237 (VCV003050237.2), dbSNP rs759205102, ClinGen allele CA6588313.

ClinVar aggregate classification (germline): Likely benign (0 of 4 stars; one submission).

Conditions:
KRT3-related disorder. Also called: KRT3-related condition.

Allele frequency attached by ClinVar (database versions not stated): gnomAD exomes 0.00012; gnomAD 0.00016; TOPMed 0.00018; ExAC 0.00033.
gnomAD v4.1: 196 of 1,613,966 alleles (0.012%); highest among the groups gnomAD compares: East Asian, 0.11%; no homozygotes.

Submission:

PreventionGenetics, part of Exact Sciences
Classification: Likely benign for KRT3-related condition. Last evaluated: 2019-07-11. Review status: no assertion criteria provided. Collection method: clinical testing. Allele origin: germline.
Comment: This variant is classified as likely benign based on ACMG/AMP sequence variant interpretation guidelines (Richards et al. 2015 PMID: 25741868, with internal and published modifications).